The following is an entry in ClinVar:

NM_206933.4(USH2A):c.12622G>A (p.Asp4208Asn)

Gene: USH2A (usherin; minus strand). Cytogenetic location: 1q41.
Variant type: single nucleotide variant.
Coding change: c.12622G>A on transcript NM_206933.4 (MANE Select); coding-DNA position 12622, G replaced by A.
Protein change: p.Asp4208Asn; replaces aspartic acid 4208 with asparagine.
Molecular consequence: missense variant.
Genome position (GRCh38, 1-based): chr1:215,675,289, C>T on the plus strand (G>A on the coding strand, the complement: USH2A is on the minus strand). VCF-style: chr1-215675289-C-T. GRCh37 (hg19) VCF-style: chr1-215848631-C-T.
Other names: c.12622G>A (NM_206933.2); short protein forms D4208N.
Identifiers: ClinVar variation 2187064 (VCV002187064.3), dbSNP rs529589990, ClinGen allele CA1393437.

ClinVar aggregate classification (germline): Uncertain significance. Review status: criteria provided, multiple submitters, no conflicts (2 of 4 stars). 3 submissions from 3 submitters: Uncertain significance (3). Last evaluated 2025-08-13.

Conditions:
USH2A-related disorder. Also called: USH2A-related disorders; USH2A-related condition. Identifiers: MedGen CN239332.

Allele frequency attached by ClinVar (database versions not stated): gnomAD exomes 0.00001; TOPMed 0.00001; ExAC 0.00002; gnomAD 0.00002; 1000 Genomes Project 30x 0.00016; 1000 Genomes Project 0.00020.
gnomAD v4.1: 25 of 1,614,104 alleles (0.0015%); highest among the groups gnomAD compares: East Asian, 0.0067%; no homozygotes.

Submissions (3):

PreventionGenetics, part of Exact Sciences
Classification: Uncertain significance for USH2A-related condition. Last evaluated: 2025-08-13. Review status: criteria provided, single submitter. Criteria: ACMG Guidelines, 2015. Collection method: clinical testing. Allele origin: germline.
Comment: The USH2A c.12622G>A variant is predicted to result in the amino acid substitution p.Asp4208Asn. To our knowledge, this variant has not been reported in the literature. This variant is reported in 0.011% of alleles in individuals of East Asian descent in gnomAD. At this time, the clinical significance of this variant is uncertain due to the absence of conclusive functional and genetic evidence.

Blueprint Genetics
Classification: Uncertain significance. Last evaluated: 2024-11-01. Review status: criteria provided, single submitter. Criteria: ACMG Guidelines, 2015. Collection method: clinical testing. Allele origin: germline.

Labcorp Genetics (formerly Invitae), Labcorp
Classification: Uncertain significance. Last evaluated: 2022-02-09. Review status: criteria provided, single submitter. Criteria: Invitae Variant Classification Sherloc (09022015). Collection method: clinical testing. Allele origin: germline.
Comment: This sequence change replaces aspartic acid, which is acidic and polar, with asparagine, which is neutral and polar, at codon 4208 of the USH2A protein (p.Asp4208Asn). This variant is present in population databases (rs529589990, gnomAD 0.01%). This variant has not been reported in the literature in individuals affected with USH2A-related conditions. Algorithms developed to predict the effect of missense changes on protein structure and function output the following: SIFT: "Tolerated"; PolyPhen-2: "Benign"; Align-GVGD: "Class C0". The asparagine amino acid residue is found in multiple mammalian species, which suggests that this missense change does not adversely affect protein function. In summary, the available evidence is currently insufficient to determine the role of this variant in disease. Therefore, it has been classified as a Variant of Uncertain Significance.